The following is an entry in ClinVar:

NM_003906.5(MCM3AP):c.3225C>G (p.Tyr1075Ter)

Gene: MCM3AP (minichromosome maintenance complex component 3 associated protein; minus strand). Cytogenetic location: 21q22.3.
Variant type: single nucleotide variant.
Coding change: c.3225C>G on transcript NM_003906.5 (MANE Select); coding-DNA position 3225, C replaced by G.
Protein change: p.Tyr1075Ter; replaces tyrosine 1075 with a stop codon.
Molecular consequence: nonsense.
Genome position (GRCh38, 1-based): chr21:46,265,330, G>C on the plus strand (C>G on the coding strand, the complement: MCM3AP is on the minus strand). VCF-style: chr21-46265330-G-C. GRCh37 (hg19) VCF-style: chr21-47685244-G-C.
Other names: short protein forms Y1075*.
Identifiers: ClinVar variation 2766415 (VCV002766415.3), dbSNP rs2081095830, ClinGen allele CA410559270.
Genomic context (GRCh38, chr21:46,265,330, plus strand): 5'-TGCGCACAATGGGCTTCCCAGAGTCCAGACCTAGAAAAAAAGAGTCCCTACCTCGTCAGA[G>C]TACATGGGCACGGGCTCTGGAGGCGGTGGTTCAGGCTGCACAGACAGCTGGAAGAGGCTG-3'

ClinVar aggregate classification (germline): Pathogenic (1 of 4 stars; one submission).

Submission:

Labcorp Genetics (formerly Invitae), Labcorp
Classification: Pathogenic. Last evaluated: 2023-10-06. Review status: criteria provided, single submitter. Criteria: Invitae Variant Classification Sherloc (09022015). Collection method: clinical testing. Allele origin: germline.
Comment: This sequence change creates a premature translational stop signal (p.Tyr1075*) in the MCM3AP gene. It is expected to result in an absent or disrupted protein product. Loss-of-function variants in MCM3AP are known to be pathogenic (PMID: 28633435). This variant is not present in population databases (gnomAD no frequency). This variant has not been reported in the literature in individuals affected with MCM3AP-related conditions. For these reasons, this variant has been classified as Pathogenic.

Literature cited by the submitters: PubMed 28633435.